The following is an entry in ClinVar:

NM_000718.4(CACNA1B):c.1543+5G>A

Gene: CACNA1B (calcium voltage-gated channel subunit alpha1 B; plus strand). Cytogenetic location: 9q34.3.
Variant type: single nucleotide variant.
Coding change: c.1543+5G>A on transcript NM_000718.4 (MANE Select); 5 bases into the intron after coding-DNA position 1543, G replaced by A.
Molecular consequence: intron variant.
Genome position (GRCh38, 1-based): chr9:137,971,597, G>A. VCF-style: chr9-137971597-G-A. GRCh37 (hg19) VCF-style: chr9-140866049-G-A.
Other names: c.1543+5G>A (NM_001243812.2).
Identifiers: ClinVar variation 4527392 (VCV004527392.1).
Genomic context (GRCh38, chr9:137,971,597, plus strand): 5'-ACTGTGTGTGGCCATGGTGCATTACAACCAGCCGCGGCGGCTTACCACGACCCTGTGTAC[G>A]TATCCCCGTCCCTCCCTCAGGTGCTTCCTGAGCATCTCTGCTCTCAGTCTGGAAACCCTG-3'

ClinVar aggregate classification (germline): Uncertain significance (1 of 4 stars; one submission).

Submission:

GeneDx
Classification: Uncertain significance. Last evaluated: 2025-04-29. Review status: criteria provided, single submitter. Criteria: GeneDx Variant Classification Process June 2021. Collection method: clinical testing. Allele origin: germline. Affected: yes.
Comment: Not observed at significant frequency in large population cohorts (gnomAD); Intronic +5 splice site variant in a gene for which loss of function is a known mechanism of disease, and both splice predictors and evolutionary conservation support a deleterious effect, although in the absence of functional evidence the actual effect of this sequence change is unknown.; Has not been previously published as pathogenic or benign to our knowledge